The following is an entry in ClinVar:

ClinVar aggregate classification (germline): Pathogenic (1 of 4 stars; one submission).

Submission:

Labcorp Genetics (formerly Invitae), Labcorp
Classification: Pathogenic. Last evaluated: 2024-10-06. Review status: criteria provided, single submitter. Criteria: Invitae Variant Classification Sherloc (09022015). Collection method: clinical testing. Allele origin: germline.
Comment: This sequence change creates a premature translational stop signal (p.Arg957Profs*61) in the CACNA1B gene. It is expected to result in an absent or disrupted protein product. Loss-of-function variants in CACNA1B are known to be pathogenic (PMID: 30982612). This variant is not present in population databases (gnomAD no frequency). This variant has not been reported in the literature in individuals affected with CACNA1B-related conditions. For these reasons, this variant has been classified as Pathogenic.

Literature cited by the submitters: PubMed 30982612.

NM_000718.4(CACNA1B):c.2844_2869dup (p.Arg957fs)

Gene: CACNA1B (calcium voltage-gated channel subunit alpha1 B; plus strand). Cytogenetic location: 9q34.3.
Variant type: Duplication.
Coding change: c.2844_2869dup on transcript NM_000718.4 (MANE Select); coding-DNA positions 2844 to 2869, 26 bases duplicated (CGGCGCCAAGGGCGAGCGGCGCGCGC).
Protein change: p.Arg957fs; shifts the reading frame from arginine 957.
Molecular consequence: frameshift variant.
Genome position (GRCh38, 1-based): chr9:138,023,587-138,023,612, CGGCGCCAAGGGCGAGCGGCGCGCGC duplicated; duplicating any 26 consecutive bases within chr9:138,023,583-138,023,612 gives the same sequence; the c. name uses the placement nearest the transcript's 3' end. VCF-style (leftmost placement, unchanged base first): chr9-138023582-T-TGCGCCGGCGCCAAGGGCGAGCGGCGC. GRCh37 (hg19) VCF-style: chr9-140918034-T-TGCGCCGGCGCCAAGGGCGAGCGGCGC.
Other names: c.2844_2869dup, p.Arg957fs (NM_001243812.2); short protein forms R957fs.
Identifiers: ClinVar variation 3722330 (VCV003722330.2).